The following is an entry in ClinVar:

ClinVar aggregate classification (germline): Conflicting classifications of pathogenicity. Review status: criteria provided, conflicting classifications (1 of 4 stars). 2 submissions from 2 submitters: Likely pathogenic (1); Uncertain significance (1). Last evaluated 2024-10-04.

Conditions:
Intestinal hypomagnesemia 1. Also called: HYPOMAGNESEMIA, INTESTINAL, WITH SECONDARY HYPOCALCEMIA; HYPOMAGNESEMIC TETANY. Identifiers: Orphanet 30924, MedGen C1865974, MONDO:0011176, OMIM 602014.

Submissions (2):

Dubai Health Genomic Medicine Center, Dubai Health
Classification: Likely pathogenic for Hypomagnesemia 1, intestinal. Last evaluated: 2024-10-04. Review status: criteria provided, single submitter. Criteria: ACMG Guidelines, 2015. Collection method: research. Allele origin: germline. Affected: yes.
Comment: PVS1,PM2

Genomic Medicine Center of Excellence, King Faisal Specialist Hospital and Research Centre
Classification: Uncertain significance for Intestinal hypomagnesemia 1. Last evaluated: 2024-04-04. Review status: criteria provided, single submitter. Criteria: ACMG Guidelines, 2015. Collection method: clinical testing. Allele origin: germline.

NM_017662.5(TRPM6):c.2998dup (p.Ser1000fs)

Gene: TRPM6 (transient receptor potential cation channel subfamily M member 6; minus strand). Cytogenetic location: 9q21.13.
Variant type: Duplication.
Coding change: c.2998dup on transcript NM_017662.5 (MANE Select); coding-DNA position 2998, one base duplicated (T; older notation c.2998dupT).
Protein change: p.Ser1000fs; shifts the reading frame from serine 1000.
Molecular consequence: frameshift variant.
Genome position (GRCh38, 1-based): chr9:74,782,775, A duplicated on the plus strand (T on the coding strand, the reverse complement: TRPM6 is on the minus strand); the first of 3 consecutive A bases (chr9:74,782,775-74,782,777); duplicating any one gives the same sequence. VCF-style (leftmost placement, unchanged base first): chr9-74782774-G-GA. GRCh37 (hg19) VCF-style: chr9-77397690-G-GA.
Other names: c.2983dup, p.Ser995fs (NM_001177310.2, NM_001177311.2); c.2983dup (NM_001177310.1); short protein forms S1000fs, S995fs.
Identifiers: ClinVar variation 3068168 (VCV003068168.2), dbSNP rs2489968400, ClinGen allele CA2695210625.